The following is an entry in ClinVar:

NM_174909.5(TMEM167A):c.113G>A (p.Gly38Glu)

Gene: TMEM167A (transmembrane protein 167A; minus strand). Cytogenetic location: 5q14.2.
Variant type: single nucleotide variant.
Coding change: c.113G>A on transcript NM_174909.5 (MANE Select); coding-DNA position 113, G replaced by A.
Protein change: p.Gly38Glu; replaces glycine 38 with glutamic acid.
Molecular consequence: missense variant.
Genome position (GRCh38, 1-based): chr5:83,065,008, C>T on the plus strand (G>A on the coding strand, the complement: TMEM167A is on the minus strand). VCF-style: chr5-83065008-C-T. GRCh37 (hg19) VCF-style: chr5-82360827-C-T.
Other names: short protein forms G38E.
Identifiers: ClinVar variation 4848193 (VCV004848193.1).

ClinVar aggregate classification (germline): Likely pathogenic (1 of 4 stars; one submission).

Conditions:
Microcephaly, epilepsy, and diabetes syndrome. Identifiers: Orphanet 306558, MedGen C3280240, MONDO:0100328.

Submission:

Women's Health and Genetics/Laboratory Corporation of America, LabCorp
Classification: Likely pathogenic for Microcephaly, Epilepsy, And Diabetes Syndrome. Last evaluated: 2026-02-20. Review status: criteria provided, single submitter. Criteria: LabCorp Variant Classification Summary - May 2015. Collection method: clinical testing. Allele origin: germline.
Comment: Variant summary: TMEM167A c.113G>A (p.Gly38Glu) results in a non-conservative amino acid change in the encoded protein sequence. Algorithms developed to predict the effect of missense changes on protein structure and function are either unavailable or do not agree on the potential impact of this missense change. The variant allele was found at a frequency of 4.1e-06 in 244920 control chromosomes. c.113G>A has been observed in individual(s) affected with Microcephaly, Epilepsy, And Diabetes Syndrome in homozygous state (e.g. Virgilio_2025, internal data). These data indicate that the variant is likely to be associated with disease. One experimental study showed that this variant may impact splicing using an exon trapping assay (Virgilio_2025). However, it is not clear if this effect is causative. The following publications have been ascertained in the context of this evaluation (PMID: 40924476). No submitters have cited clinical-significance assessments for this variant to ClinVar. Based on the evidence outlined above, the variant was classified as likely pathogenic.

Literature cited by the submitters: PubMed 40924476.